The following is an entry in ClinVar:

NM_001130438.3(SPTAN1):c.1221+321T>C

Gene: SPTAN1 (spectrin alpha, non-erythrocytic 1; plus strand). Cytogenetic location: 9q34.11.
Variant type: single nucleotide variant.
Coding change: c.1221+321T>C on transcript NM_001130438.3 (MANE Select); 321 bases into the intron after coding-DNA position 1221, T replaced by C.
Molecular consequence: intron variant.
Genome position (GRCh38, 1-based): chr9:128,578,566, T>C. VCF-style: chr9-128578566-T-C. GRCh37 (hg19) VCF-style: chr9-131340845-T-C.
Other names: c.1221+321T>C (NM_001363759.2, NM_003127.4, NM_001363765.2 and 1 more transcripts).
Identifiers: ClinVar variation 680789 (VCV000680789.1), dbSNP rs4837281, ClinGen allele CA200375780.

ClinVar aggregate classification (germline): Benign (1 of 4 stars; one submission).

Allele frequency attached by ClinVar (database versions not stated): TOPMed 0.96757; 1000 Genomes Project 30x 0.96799; gnomAD 0.96936 and 0.97145; 1000 Genomes Project 0.97005.
gnomAD v4.1: 147,931 of 152,226 alleles (97%); highest among the groups gnomAD compares: East Asian, 100%; 72,036 homozygotes.

Submission:

GeneDx
Classification: Benign. Last evaluated: 2018-06-14. Review status: criteria provided, single submitter. Criteria: GeneDx Variant Classification (06012015). Collection method: clinical testing. Allele origin: germline. Affected: yes.
Comment: This variant is considered likely benign or benign based on one or more of the following criteria: it is a conservative change, it occurs at a poorly conserved position in the protein, it is predicted to be benign by multiple in silico algorithms, and/or has population frequency not consistent with disease.